The following is an entry in ClinVar:

ClinVar aggregate classification (germline): Pathogenic/Likely pathogenic. Review status: criteria provided, multiple submitters, no conflicts (2 of 4 stars). 6 submissions from 6 submitters: Pathogenic (3); Likely pathogenic (1). 2 of the submissions do not count toward it. Last evaluated 2023-04-30.

Conditions:
SCN2A-related disorder. Also called: SCN2A-related disorders; SCN2A-related condition. Identifiers: MedGen CN382226, MONDO:1060245.
Developmental and epileptic encephalopathy, 11 (DEE11). Also called: Early infantile epileptic encephalopathy 11. Identifiers: Orphanet 1934, MedGen C3150987, MONDO:0013388, OMIM 613721.
Seizures, benign familial infantile, 3 (BFIS3). Also called: CONVULSIONS, BENIGN FAMILIAL INFANTILE, 3; Familial neonatal seizures. Identifiers: Orphanet 140927, Orphanet 306, MedGen C1843140, MONDO:0011904, OMIM 607745.

Submissions (7):

Labcorp Genetics (formerly Invitae), Labcorp
Classification: Pathogenic for Seizures, benign familial infantile, 3; Developmental and epileptic encephalopathy, 11. Last evaluated: 2023-04-30. Review status: criteria provided, single submitter. Criteria: Invitae Variant Classification Sherloc (09022015). Collection method: clinical testing. Allele origin: germline.
Comment: For these reasons, this variant has been classified as Pathogenic. Advanced modeling of protein sequence and biophysical properties (such as structural, functional, and spatial information, amino acid conservation, physicochemical variation, residue mobility, and thermodynamic stability) performed at Invitae indicates that this missense variant is expected to disrupt SCN2A protein function. ClinVar contains an entry for this variant (Variation ID: 207052). This missense change has been observed in individual(s) with Ohtahara syndrome (PMID: 28379373). In at least one individual the variant was observed to be de novo. This variant is not present in population databases (gnomAD no frequency). This sequence change replaces valine, which is neutral and non-polar, with leucine, which is neutral and non-polar, at codon 423 of the SCN2A protein (p.Val423Leu).

Genetics and Molecular Pathology, SA Pathology
Classification: Pathogenic for Developmental and epileptic encephalopathy, 11. Last evaluated: 2021-08-31. Review status: criteria provided, single submitter. Criteria: ACMG Guidelines, 2015. Collection method: clinical testing. Allele origin: germline. Inheritance: Autosomal dominant inheritance. Affected: yes.
Comment: The SCN2A c.1267G>C variant is classified as PATHOGENIC (PS1, PS2, PS3, PS4-moderate, PM2) The SCN2A c.1267G>C variant is a single nucleotide change in exon 10/27 of the SCN2A gene, which is predicted to change the amino acid valine at position 423 in the protein to leucine. The same p.Val423Leu variant has been reported de novo in two unrelated patients with Ohtahara syndrome (PMID: 28379373). Both of these probands progressed to developing tonic and tonic-clonic seizures respectively, and EEGs showed a suppression burst pattern, and multifocal spikes. Both patients had a high pharmacoresistance including lack of response to treatment of one or more sodium channel blockers. The p.Val423Leu variant was assessed using whole cell patch-clamping in tsA201 kidney cells, which showed an increase in sodium channel activity with gain-of-function (PMID: 28379373) (PS3). This variant has been identified as de novo in this family with no family history of this condition (PS2). This variant results in the same amino acid change as another pathogenic variant, c.1267G>T, previously reported in ClinVar (Variation ID: 1072191) (PS1). This variant is absent from population databases (PM2). The variant has been reported in dbSNP (rs796053180). The variant has been reported as Likely Pathogenic by other diagnostic laboratories (ClinVar Variation ID: 207052). This variant has not been reported in HGMD. Other Literature: PMID: 31924505.

Blueprint Genetics
Classification: Pathogenic for SCN2A-related disorders. Last evaluated: 2021-04-06. Review status: criteria provided, single submitter. Criteria: ACMG Guidelines, 2015. Collection method: clinical testing. Allele origin: de novo. Affected: yes. Observed: 1 variant allele.

GeneDx
Classification: Likely pathogenic. Last evaluated: 2014-03-27. Review status: criteria provided, single submitter. Criteria: GeneDx Variant Classification (06012015). Collection method: clinical testing. Allele origin: germline. Affected: yes.
Comment: p.Val423Leu (GTG>CTG): c.1267 G>C in exon 10 of the SCN2A gene (NM_021007.2). A V423L variant that is likely pathogenic has been identified in the SCN2A gene. The V423L variant has not been published as a mutation, nor has it been reported as a benign polymorphism to our knowledge. It was not observed in approximately 6,500 individuals of European and African American ancestry in the NHLBI Exome Sequencing Project, indicating it is not a common benign variant in these populations. The V423Lvariant is a conservative amino acid substitution, which is not likely to impact secondary protein structure as these residues share similar properties. This substitution alters a highly conserved position in transmembrane segment S6 of the first homologous domain. In silico analysis predicts this variant is probably damaging to the protein structure/function. Therefore, this variant is a strong candidate for a pathogenic mutation, however the possibility that it is a benign variant cannot be excluded. The variant is found in INFANT-EPI panel(s).

Mendelics
Classification: Pathogenic for Developmental and epileptic encephalopathy, 11. Last evaluated: 2023-04-28. Review status: no assertion criteria provided. Collection method: clinical testing. Allele origin: unknown. Affected: yes. Not counted in ClinVar's aggregate classification.

OMIM
Classification: Pathogenic for DEVELOPMENTAL AND EPILEPTIC ENCEPHALOPATHY 11. Last evaluated: 2020-10-19. Review status: no assertion criteria provided. Collection method: literature only. Allele origin: germline. Not counted in ClinVar's aggregate classification.

Channelopathy-Associated Epilepsy Research Center
No classification provided (evidence only). Condition: Complex neurodevelopmental disorder. Review status: no classification provided. Collection method: literature only. Allele origin: not applicable. Functional consequence: Normal slope of activation, Normal voltage dependence of activation, Normal slope of fast inactivation, Normal fast inactivation, Normal peak current, Normal persistent current, Normal rate of recovery from fast inactivation, Mild depolarizing shift of voltage dependence of activation, Overall loss-of-function. Not counted in ClinVar's aggregate classification.
ClinVar note: "not provided" was previously submitted as the classification for the variant. However, the classification appeared to be based only on an observation of functional data so it was converted to no classification on 2025-07-30.

Literature cited by the submitters: PubMed 28379373 (cited by 4 submitters); PubMed 31924505 (cited by Genetics and Molecular Pathology, SA Pathology); PubMed 19786696 (cited by Mendelics).

NM_001040142.2(SCN2A):c.1267G>C (p.Val423Leu)

Gene: SCN2A (sodium voltage-gated channel alpha subunit 2; plus strand). Cytogenetic location: 2q24.3.
Variant type: single nucleotide variant.
Coding change: c.1267G>C on transcript NM_001040142.2 (MANE Select); coding-DNA position 1267, G replaced by C.
Protein change: p.Val423Leu; replaces valine 423 with leucine.
Molecular consequence: missense variant.
Genome position (GRCh38, 1-based): chr2:165,313,992, G>C. VCF-style: chr2-165313992-G-C. GRCh37 (hg19) VCF-style: chr2-166170502-G-C.
Other names: p.V423L:GTG>CTG; c.1267G>C, p.Val423Leu (NM_001040143.2, NM_001371246.1, NM_001371247.1 and 1 more transcripts); short protein forms V423L.
Identifiers: ClinVar variation 207052 (VCV000207052.12), dbSNP rs796053180, ClinGen allele CA204478.